The following is an entry in ClinVar:

NM_130839.5(UBE3A):c.1608+34T>C

Genes: SNHG14 (small nucleolar RNA host gene 14; plus strand), UBE3A (ubiquitin protein ligase E3A; minus strand). Cytogenetic location: 15q11.2.
Variant type: single nucleotide variant.
Coding change: c.1608+34T>C on transcript NM_130839.5 (MANE Select); 34 bases into the intron after coding-DNA position 1608, T replaced by C.
Molecular consequence: intron variant.
Genome position (GRCh38, 1-based): chr15:25,370,532, A>G on the plus strand (T>C on the coding strand, the complement: UBE3A is on the minus strand). VCF-style: chr15-25370532-A-G. GRCh37 (hg19) VCF-style: chr15-25615679-A-G.
Other names: c.1431+34T>C (NM_001354546.2); c.301+4933T>C (NM_001354551.2); c.1548+34T>C (NM_001354549.2, NM_001354548.2, NM_130838.4 and 17 more transcripts); c.361+4933T>C (NM_001354550.2); c.1608+34T>C (NM_001354545.2, NM_001354538.2, NM_001354505.1); c.1617+34T>C (NM_000462.5).
Identifiers: ClinVar variation 156134 (VCV000156134.1), dbSNP rs587782917, ClinGen allele CA333431.

ClinVar aggregate classification (germline): Uncertain significance (0 of 4 stars; one submission).

Conditions:
Angelman syndrome (AS). Also called: HAPPY PUPPET SYNDROME. Identifiers: Orphanet 72, MedGen C0162635, MONDO:0007113, OMIM 105830. Disease mechanism: loss of function. Inheritance: AS is caused by disruption of maternally imprinted UBE3A located within the 15q11.2-q13 Angelman syndrome/Prader-Willi syndrome (AS/PWS) region., imprinting disorder.

Allele frequency attached by ClinVar (database versions not stated): ExAC 0.00001.
gnomAD v4.1: 2 of 1,613,036 alleles (0.00012%); highest among the groups gnomAD compares: Non-Finnish European, 0.00017%; no homozygotes.

Submission:

Baylor Genetics
Classification: Uncertain significance for Angelman syndrome. Last evaluated: 2014-02-14. Review status: no assertion criteria provided. Collection method: clinical testing. Allele origin: germline. Affected: yes. Observed: 1 variant allele. Study: UBE3A Mutation Study.
Comment: possible diagnosis of Angelman syndrome

Data collected from clinical UBE3A sequence analysis results

Literature cited by the submitters: PubMed 25212744.